The following is an entry in ClinVar:

ClinVar aggregate classification (germline): Uncertain significance. Review status: criteria provided, multiple submitters, no conflicts (2 of 4 stars). 2 submissions from 2 submitters: Uncertain significance (2). Last evaluated 2025-03-02.

Conditions:
Hereditary cancer-predisposing syndrome. Also called: Hereditary Cancer Syndrome; Tumor predisposition; Hereditary neoplastic syndrome; Neoplastic Syndromes, Hereditary. Identifiers: Orphanet 140162, MedGen C0027672, MeSH D009386, MONDO:0015356.

gnomAD v4.1: 1 of 1,586,436 alleles (0.000063%); highest among the groups gnomAD compares: Non-Finnish European, 0.000085%; no homozygotes.

Submissions (2):

Ambry Genetics
Classification: Uncertain significance for Hereditary cancer-predisposing syndrome. Last evaluated: 2025-03-02. Review status: criteria provided, single submitter. Criteria: Ambry Variant Classification Scheme 2023. Collection method: clinical testing. Allele origin: germline.
Comment: The p.C32F variant (also known as c.95G>T), located in coding exon 1 of the NTHL1 gene, results from a G to T substitution at nucleotide position 95. The cysteine at codon 32 is replaced by phenylalanine, an amino acid with highly dissimilar properties. This amino acid position is conserved. In addition, this alteration is predicted to be tolerated by in silico analysis. Based on the available evidence, the clinical significance of this variant remains unclear.

Labcorp Genetics (formerly Invitae), Labcorp
Classification: Uncertain significance. Last evaluated: 2020-10-12. Review status: criteria provided, single submitter. Criteria: Invitae Variant Classification Sherloc (09022015). Collection method: clinical testing. Allele origin: germline.
Comment: In summary, the available evidence is currently insufficient to determine the role of this variant in disease. Therefore, it has been classified as a Variant of Uncertain Significance. Algorithms developed to predict the effect of missense changes on protein structure and function are either unavailable or do not agree on the potential impact of this missense change (SIFT: "Not Available"; PolyPhen-2: "Benign"; Align-GVGD: "Not Available"). This variant has not been reported in the literature in individuals with NTHL1-related conditions. This variant is not present in population databases (ExAC no frequency). This sequence change replaces cysteine with phenylalanine at codon 32 of the NTHL1 protein (p.Cys32Phe). The cysteine residue is weakly conserved and there is a large physicochemical difference between cysteine and phenylalanine.

NM_002528.7(NTHL1):c.71G>T (p.Cys24Phe)

Gene: NTHL1 (nth like DNA glycosylase 1; minus strand). Cytogenetic location: 16p13.3.
Variant type: single nucleotide variant.
Coding change: c.71G>T on transcript NM_002528.7 (MANE Select); coding-DNA position 71, G replaced by T.
Protein change: p.Cys24Phe; replaces cysteine 24 with phenylalanine.
Molecular consequence: missense variant. On other transcripts: 5 prime UTR variant (1).
Genome position (GRCh38, 1-based): chr16:2,047,753, C>A on the plus strand (G>T on the coding strand, the complement: NTHL1 is on the minus strand). VCF-style: chr16-2047753-C-A. GRCh37 (hg19) VCF-style: chr16-2097754-C-A.
Other names: c.95G>T (NM_002528.5); c.71G>T, p.Cys24Phe (NM_001318193.2); c.-108G>T (NM_001318194.2); short protein forms C24F.
Identifiers: ClinVar variation 1042792 (VCV001042792.8), dbSNP rs1034291686, ClinGen allele CA394298389.